The following is an entry in ClinVar:

NM_001127671.2(LIFR):c.1199T>C (p.Leu400Pro)

Gene: LIFR (LIF receptor subunit alpha; minus strand). Cytogenetic location: 5p13.1.
Variant type: single nucleotide variant.
Coding change: c.1199T>C on transcript NM_001127671.2 (MANE Select); coding-DNA position 1199, T replaced by C.
Protein change: p.Leu400Pro; replaces leucine 400 with proline.
Molecular consequence: missense variant.
Genome position (GRCh38, 1-based): chr5:38,505,997, A>G on the plus strand (T>C on the coding strand, the complement: LIFR is on the minus strand). VCF-style: chr5-38505997-A-G. GRCh37 (hg19) VCF-style: chr5-38506099-A-G.
Other names: c.1199T>C, p.Leu400Pro (NM_001364297.2, NM_001364298.2, NM_002310.6); short protein forms L400P.
Identifiers: ClinVar variation 1368617 (VCV001368617.3), dbSNP rs2112471546, ClinGen allele CA359543857.

ClinVar aggregate classification (germline): Uncertain significance (1 of 4 stars; one submission).

Allele frequency attached by ClinVar (database versions not stated): gnomAD exomes below 0.00001.
gnomAD v4.1: 3 of 1,608,226 alleles (0.00019%); highest among the groups gnomAD compares: Non-Finnish European, 0.00026%; no homozygotes.

Submission:

Labcorp Genetics (formerly Invitae), Labcorp
Classification: Uncertain significance. Last evaluated: 2021-08-22. Review status: criteria provided, single submitter. Criteria: Invitae Variant Classification Sherloc (09022015). Collection method: clinical testing. Allele origin: germline.
Comment: This sequence change replaces leucine with proline at codon 400 of the LIFR protein (p.Leu400Pro). The leucine residue is weakly conserved and there is a moderate physicochemical difference between leucine and proline. This variant is not present in population databases (ExAC no frequency). This variant has not been reported in the literature in individuals affected with LIFR-related conditions. Algorithms developed to predict the effect of missense changes on protein structure and function output the following: SIFT: "Tolerated"; PolyPhen-2: "Benign"; Align-GVGD: "Class C0". The proline amino acid residue is found in multiple mammalian species, which suggests that this missense change does not adversely affect protein function. In summary, the available evidence is currently insufficient to determine the role of this variant in disease. Therefore, it has been classified as a Variant of Uncertain Significance.